The following is an entry in ClinVar:

ClinVar aggregate classification (germline): Benign/Likely benign. Review status: criteria provided, multiple submitters, no conflicts (2 of 4 stars). 3 submissions from 3 submitters: Benign (2); Likely benign (1). Last evaluated 2026-01-15.

Conditions:
Cone-rod dystrophy 5 (CORD5). Identifiers: Orphanet 1872, MedGen C1832976, MONDO:0010969, OMIM 600977.

Allele frequency attached by ClinVar (database versions not stated): gnomAD 0.00003 and 0.00026; TOPMed 0.00005; ESP Exome Variant Server 0.00008; gnomAD exomes 0.00053 and 0.00105; 1000 Genomes Project 30x 0.00078; 1000 Genomes Project 0.00100; ExAC 0.00115.
gnomAD v4.1: 831 of 1,613,752 alleles (0.051%); highest among the groups gnomAD compares: South Asian, 0.77%; 8 homozygotes.

Submissions (3):

Labcorp Genetics (formerly Invitae), Labcorp
Classification: Benign. Last evaluated: 2026-01-15. Review status: criteria provided, single submitter. Criteria: Invitae Variant Classification Sherloc (09022015). Collection method: clinical testing. Allele origin: germline.

Blueprint Genetics
Classification: Likely benign. Last evaluated: 2024-11-07. Review status: criteria provided, single submitter. Criteria: ACMG Guidelines, 2015. Collection method: clinical testing. Allele origin: germline.

Illumina Laboratory Services, Illumina
Classification: Benign for Cone-rod dystrophy 5. Last evaluated: 2018-01-12. Review status: criteria provided, single submitter. Criteria: ICSL Variant Classification Criteria 13 December 2019. Collection method: clinical testing. Allele origin: germline.
Comment: This variant was observed in the ICSL laboratory as part of a predisposition screen in an ostensibly healthy population. It had not been previously curated by ICSL or reported in the Human Gene Mutation Database (HGMD: prior to June 1st, 2018), and was therefore a candidate for classification through an automated scoring system. Utilizing variant allele frequency, disease prevalence and penetrance estimates, and inheritance mode, an automated score was calculated to assess if this variant is too frequent to cause the disease. Based on the score and internal cut-off values, a variant classified as benign is not then subjected to further curation. The score for this variant resulted in a classification of benign for this disease.

NM_031220.4(PITPNM3):c.838G>A (p.Ala280Thr)

Gene: PITPNM3 (PITPNM family member 3; minus strand). Cytogenetic location: 17p13.2.
Variant type: single nucleotide variant.
Coding change: c.838G>A on transcript NM_031220.4 (MANE Select); coding-DNA position 838, G replaced by A.
Protein change: p.Ala280Thr; replaces alanine 280 with threonine.
Molecular consequence: missense variant.
Genome position (GRCh38, 1-based): chr17:6,478,037, C>T on the plus strand (G>A on the coding strand, the complement: PITPNM3 is on the minus strand). VCF-style: chr17-6478037-C-T. GRCh37 (hg19) VCF-style: chr17-6381357-C-T.
Other names: c.730G>A, p.Ala244Thr (NM_001165966.2); short protein forms A280T, A244T.
Identifiers: ClinVar variation 324759 (VCV000324759.14), dbSNP rs140298487, ClinGen allele CA8329721.